The following is an entry in ClinVar:

ClinVar aggregate classification (germline): Benign (3 of 4 stars; one submission).

Conditions:
Breast-ovarian cancer, familial, susceptibility to, 1 (BROVCA1). Also called: OVARIAN CANCER, SUSCEPTIBILITY TO; BRCA1 Hereditary Breast and Ovarian Cancer. Identifiers: Orphanet 145, MedGen C2676676, MONDO:0011450, OMIM 604370. Disease mechanism: loss of function.

Submission:

Evidence-based Network for the Interpretation of Germline Mutant Alleles (ENIGMA)
Classification: Benign for Breast-ovarian cancer, familial, susceptibility to, 1. Last evaluated: 2016-04-15. Review status: reviewed by expert panel. Criteria: ENIGMA BRCA1/2 Classification Criteria (2015). Collection method: curation. Allele origin: germline.
Comment: IARC class based on combined odds from multifactorial likelihood analysis, thresholds for class as per Easton et al. 2007 (PMID: 17924331). Class 1 Not Pathogenic based on combined odds = 3.23x10-8. Variant allele produces 70-80% predicted non-functional transcripts and 20-30% of predicted functional r.548_670del transcript.

Literature cited by the submitters: PubMed 27008870.

NM_007294.3(BRCA1):c.[594-2A>C;641A>G]

Variant type: Haplotype.
Identifiers: ClinVar variation 236265 (VCV000236265.3).